The following is an entry in ClinVar:

ClinVar aggregate classification (germline): Uncertain significance. Review status: criteria provided, multiple submitters, no conflicts (2 of 4 stars). 2 submissions from 2 submitters: Uncertain significance (2). Last evaluated 2023-02-17.

Conditions:
Hereditary nonpolyposis colorectal neoplasms. Identifiers: MedGen C0009405, MeSH D003123.
Hereditary cancer-predisposing syndrome. Also called: Neoplastic Syndromes, Hereditary; Tumor predisposition; Hereditary Cancer Syndrome; Hereditary neoplastic syndrome. Identifiers: Orphanet 140162, MedGen C0027672, MeSH D009386, MONDO:0015356.

Submissions (2):

Ambry Genetics
Classification: Uncertain significance for Hereditary cancer-predisposing syndrome. Last evaluated: 2023-02-17. Review status: criteria provided, single submitter. Criteria: Ambry Variant Classification Scheme 2023. Collection method: clinical testing. Allele origin: germline.
Comment: The p.P442S variant (also known as c.1324C>T), located in coding exon 11 of the PMS2 gene, results from a C to T substitution at nucleotide position 1324. The proline at codon 442 is replaced by serine, an amino acid with similar properties. This amino acid position is not well conserved in available vertebrate species. In addition, this alteration is predicted to be tolerated by in silico analysis. Since supporting evidence is limited at this time, the clinical significance of this alteration remains unclear.

Labcorp Genetics (formerly Invitae), Labcorp
Classification: Uncertain significance for Hereditary nonpolyposis colorectal neoplasms. Last evaluated: 2022-10-16. Review status: criteria provided, single submitter. Criteria: Invitae Variant Classification Sherloc (09022015). Collection method: clinical testing. Allele origin: germline.
Comment: This sequence change replaces proline, which is neutral and non-polar, with serine, which is neutral and polar, at codon 442 of the PMS2 protein (p.Pro442Ser). This variant is not present in population databases (gnomAD no frequency). This variant has not been reported in the literature in individuals affected with PMS2-related conditions. ClinVar contains an entry for this variant (Variation ID: 999060). Advanced modeling of protein sequence and biophysical properties (such as structural, functional, and spatial information, amino acid conservation, physicochemical variation, residue mobility, and thermodynamic stability) performed at Invitae indicates that this missense variant is not expected to disrupt PMS2 protein function. In summary, the available evidence is currently insufficient to determine the role of this variant in disease. Therefore, it has been classified as a Variant of Uncertain Significance.

NM_000535.7(PMS2):c.1324C>T (p.Pro442Ser)

Gene: PMS2 (PMS1 homolog 2, mismatch repair system component; minus strand). Cytogenetic location: 7p22.1.
Variant type: single nucleotide variant.
Coding change: c.1324C>T on transcript NM_000535.7 (MANE Select); coding-DNA position 1324, C replaced by T.
Protein change: p.Pro442Ser; replaces proline 442 with serine.
Molecular consequence: missense variant. On other transcripts: non-coding transcript variant (1).
Genome position (GRCh38, 1-based): chr7:5,987,441, G>A on the plus strand (C>T on the coding strand, the complement: PMS2 is on the minus strand). VCF-style: chr7-5987441-G-A. GRCh37 (hg19) VCF-style: chr7-6027072-G-A.
Other names: c.919C>T, p.Pro307Ser (NM_001322003.2, NM_001322004.2, NM_001322005.2 and 1 more transcripts); c.1168C>T, p.Pro390Ser (NM_001322006.2); c.1006C>T, p.Pro336Ser (NM_001322007.2, NM_001322008.2); c.763C>T, p.Pro255Ser (NM_001322010.2); c.391C>T, p.Pro131Ser (NM_001322011.2, NM_001322012.2); c.751C>T, p.Pro251Ser (NM_001322013.2); c.1324C>T, p.Pro442Ser (NM_001322014.2); c.1015C>T, p.Pro339Ser (NM_001322015.2); short protein forms P131S, P251S, P255S, P307S, P336S, P339S, P390S, P442S.
Identifiers: ClinVar variation 999060 (VCV000999060.11), dbSNP rs1783134322, ClinGen allele CA366742332.